The following is an entry in ClinVar:

NM_000095.3(COMP):c.555G>C (p.Glu185Asp)

Gene: COMP (cartilage oligomeric matrix protein; minus strand). Cytogenetic location: 19p13.11.
Variant type: single nucleotide variant.
Coding change: c.555G>C on transcript NM_000095.3 (MANE Select); coding-DNA position 555, G replaced by C.
Protein change: p.Glu185Asp; replaces glutamic acid 185 with aspartic acid.
Molecular consequence: missense variant.
Genome position (GRCh38, 1-based): chr19:18,788,887, C>G on the plus strand (G>C on the coding strand, the complement: COMP is on the minus strand). VCF-style: chr19-18788887-C-G. GRCh37 (hg19) VCF-style: chr19-18899696-C-G.
Other names: short protein forms E185D.
Identifiers: ClinVar variation 1511923 (VCV001511923.8), dbSNP rs892355041, ClinGen allele CA404895294.

ClinVar aggregate classification (germline): Uncertain significance (1 of 4 stars; one submission).

Allele frequency attached by ClinVar (database versions not stated): gnomAD 0.00001.
gnomAD v4.1: 1 of 1,613,808 alleles (0.000062%); highest among the groups gnomAD compares: East Asian, 0.0022%; no homozygotes.

Submission:

Labcorp Genetics (formerly Invitae), Labcorp
Classification: Uncertain significance. Last evaluated: 2025-09-16. Review status: criteria provided, single submitter. Criteria: Invitae Variant Classification Sherloc (09022015). Collection method: clinical testing. Allele origin: germline.
Comment: This sequence change replaces glutamic acid, which is acidic and polar, with aspartic acid, which is acidic and polar, at codon 185 of the COMP protein (p.Glu185Asp). This variant is not present in population databases (gnomAD no frequency). This variant has not been reported in the literature in individuals affected with COMP-related conditions. ClinVar contains an entry for this variant (Variation ID: 1511923). Invitae Evidence Modeling of protein sequence and biophysical properties (such as structural, functional, and spatial information, amino acid conservation, physicochemical variation, residue mobility, and thermodynamic stability) indicates that this missense variant is not expected to disrupt COMP protein function with a negative predictive value of 80%. In summary, the available evidence is currently insufficient to determine the role of this variant in disease. Therefore, it has been classified as a Variant of Uncertain Significance.